The following is an entry in ClinVar:

NM_000426.4(LAMA2):c.8076-15A>G

Gene: LAMA2 (laminin subunit alpha 2; plus strand). Cytogenetic location: 6q22.33.
Variant type: single nucleotide variant.
Coding change: c.8076-15A>G on transcript NM_000426.4 (MANE Select); 15 bases into the intron before coding-DNA position 8076, A replaced by G.
Molecular consequence: intron variant.
Genome position (GRCh38, 1-based): chr6:129,492,300, A>G. VCF-style: chr6-129492300-A-G. GRCh37 (hg19) VCF-style: chr6-129813445-A-G.
Other names: c.8064-15A>G (NM_001079823.2).
Identifiers: ClinVar variation 509653 (VCV000509653.11), dbSNP rs368086451, ClinGen allele CA3994741.

ClinVar aggregate classification (germline): Likely benign. Review status: criteria provided, multiple submitters, no conflicts (2 of 4 stars). 3 submissions from 3 submitters: Likely benign (3). Last evaluated 2026-01-18.

Conditions:
LAMA2-related muscular dystrophy (LAMA2-RD). Also called: Laminin alpha 2-related dystrophy. Identifiers: MedGen C5679788, MONDO:0100228.

Allele frequency attached by ClinVar (database versions not stated): gnomAD exomes 0.00002 and 0.00003; ExAC 0.00005; gnomAD 0.00012 and 0.00013; TOPMed 0.00014; ESP Exome Variant Server 0.00015.
gnomAD v4.1: 41 of 1,612,282 alleles (0.0025%); highest among the groups gnomAD compares: African/African-American, 0.044%; no homozygotes.

Submissions (3):

Labcorp Genetics (formerly Invitae), Labcorp
Classification: Likely benign for LAMA2-related muscular dystrophy. Last evaluated: 2026-01-18. Review status: criteria provided, single submitter. Criteria: Invitae Variant Classification Sherloc (09022015). Collection method: clinical testing. Allele origin: germline.

GeneDx
Classification: Likely benign. Last evaluated: 2017-05-18. Review status: criteria provided, single submitter. Criteria: GeneDx Variant Classification (06012015). Collection method: clinical testing. Allele origin: germline. Affected: yes.
Comment: This variant is considered likely benign or benign based on one or more of the following criteria: it is a conservative change, it occurs at a poorly conserved position in the protein, it is predicted to be benign by multiple in silico algorithms, and/or has population frequency not consistent with disease.

Breakthrough Genomics
Classification: Likely benign. Review status: criteria provided, single submitter. Criteria: ACMG Guidelines, 2015. Collection method: not provided. Allele origin: germline. Inheritance: Autosomal recessive inheritance. Affected: yes.